The following is an entry in ClinVar:

ClinVar aggregate classification (germline): Uncertain significance. Review status: criteria provided, multiple submitters, no conflicts (2 of 4 stars). 2 submissions from 2 submitters: Uncertain significance (2). Last evaluated 2025-01-02.

Conditions:
Hereditary cancer-predisposing syndrome. Also called: Hereditary Cancer Syndrome; Hereditary neoplastic syndrome; Neoplastic Syndromes, Hereditary; Tumor predisposition. Identifiers: Orphanet 140162, MedGen C0027672, MeSH D009386, MONDO:0015356.

Submissions (2):

GeneDx
Classification: Uncertain significance. Last evaluated: 2025-01-02. Review status: criteria provided, single submitter. Criteria: GeneDx Variant Classification Process June 2021. Collection method: clinical testing. Allele origin: germline. Affected: yes.
Comment: Not observed at significant frequency in large population cohorts (gnomAD); In silico analysis indicates that this missense variant does not alter protein structure/function; Has not been previously published as pathogenic or benign to our knowledge

Ambry Genetics
Classification: Uncertain significance for Hereditary cancer-predisposing syndrome. Last evaluated: 2021-04-12. Review status: criteria provided, single submitter. Criteria: Ambry Variant Classification Scheme 2023. Collection method: clinical testing. Allele origin: germline.
Comment: The p.R33H variant (also known as c.98G>A), located in coding exon 1 of the PTCH1 gene, results from a G to A substitution at nucleotide position 98. The arginine at codon 33 is replaced by histidine, an amino acid with highly similar properties. This amino acid position is highly conserved in available vertebrate species. In addition, the in silico prediction for this alteration is inconclusive. Since supporting evidence is limited at this time, the clinical significance of this alteration remains unclear.

NM_000264.5(PTCH1):c.98G>A (p.Arg33His)

Genes: PTCH1 (patched 1; minus strand), LOC130002133 (ATAC-STARR-seq lymphoblastoid silent region 20071; plus strand). Cytogenetic location: 9q22.32.
Variant type: single nucleotide variant.
Coding change: c.98G>A on transcript NM_000264.5 (MANE Select); coding-DNA position 98, G replaced by A.
Protein change: p.Arg33His; replaces arginine 33 with histidine.
Molecular consequence: missense variant. On other transcripts: non-coding transcript variant (1), intron variant (3).
Genome position (GRCh38, 1-based): chr9:95,508,264, C>T on the plus strand (G>A on the coding strand, the complement: PTCH1 is on the minus strand). VCF-style: chr9-95508264-C-T. GRCh37 (hg19) VCF-style: chr9-98270546-C-T.
Other names: c.98G>A, p.Arg33His (NM_001354918.2); c.199-1665G>A (NM_001083603.3); c.4-1665G>A (NM_001083602.3, NM_001354919.2); short protein forms R33H.
Identifiers: ClinVar variation 1768551 (VCV001768551.3), dbSNP rs2118908774, ClinGen allele CA374121430.